The following is an entry in ClinVar:

NM_016343.4(CENPF):c.6406C>G (p.Leu2136Val)

Gene: CENPF (centromere protein F; plus strand). Cytogenetic location: 1q41.
Variant type: single nucleotide variant.
Coding change: c.6406C>G on transcript NM_016343.4 (MANE Select); coding-DNA position 6406, C replaced by G.
Protein change: p.Leu2136Val; replaces leucine 2136 with valine.
Molecular consequence: missense variant.
Genome position (GRCh38, 1-based): chr1:214,645,976, C>G. VCF-style: chr1-214645976-C-G. GRCh37 (hg19) VCF-style: chr1-214819319-C-G.
Other names: short protein forms L2136V.
Identifiers: ClinVar variation 2582168 (VCV002582168.1), dbSNP rs756604551, ClinGen allele CA344846503.

ClinVar aggregate classification (germline): Uncertain significance (1 of 4 stars; one submission).

Submission:

GeneDx
Classification: Uncertain significance. Last evaluated: 2023-03-30. Review status: criteria provided, single submitter. Criteria: GeneDx Variant Classification Process June 2021. Collection method: clinical testing. Allele origin: germline. Affected: yes.
Comment: Not observed at significant frequency in large population cohorts (gnomAD); In silico analysis supports that this missense variant does not alter protein structure/function; Has not been previously published as pathogenic or benign to our knowledge